The following is an entry in ClinVar:

ClinVar aggregate classification (germline): Conflicting classifications of pathogenicity. Review status: criteria provided, conflicting classifications (1 of 4 stars). 2 submissions from 2 submitters: Uncertain significance (1); Likely benign (1). Last evaluated 2025-07-21.

Conditions:
Hereditary cancer-predisposing syndrome. Also called: Neoplastic Syndromes, Hereditary; Hereditary neoplastic syndrome; Hereditary Cancer Syndrome; Tumor predisposition. Identifiers: Orphanet 140162, MedGen C0027672, MeSH D009386, MONDO:0015356.
Cardiovascular phenotype. Identifiers: MedGen CN230736.
Neurofibromatosis, type 1 (NF1). Also called: Peripheral type neurofibromatosis; Neurofibromatosis, type I; VON RECKLINGHAUSEN DISEASE; NEUROFIBROMATOSIS, TYPE I, SOMATIC. Identifiers: Orphanet 636, MedGen C0027831, MONDO:0018975, OMIM 162200. Disease mechanism: loss of function.

Allele frequency attached by ClinVar (database versions not stated): gnomAD exomes below 0.00001.
gnomAD v4.1: 1 of 1,539,366 alleles (0.000065%); highest among the groups gnomAD compares: South Asian, 0.0012%; no homozygotes.

Submissions (2):

Labcorp Genetics (formerly Invitae), Labcorp
Classification: Likely benign for Neurofibromatosis, type 1. Last evaluated: 2025-07-21. Review status: criteria provided, single submitter. Criteria: Invitae Variant Classification Sherloc (09022015). Collection method: clinical testing. Allele origin: germline.

Ambry Genetics
Classification: Uncertain significance for Cardiovascular phenotype; Hereditary cancer-predisposing syndrome. Last evaluated: 2025-03-18. Review status: criteria provided, single submitter. Criteria: Ambry Variant Classification Scheme 2023. Collection method: clinical testing. Allele origin: germline.
Comment: The c.60+4A>G intronic variant results from an A to G substitution 4 nucleotides after coding exon 1 in the NF1 gene. This nucleotide position is highly conserved in available vertebrate species. In silico splice site analysis predicts that this alteration will not have any significant effect on splicing. Since supporting evidence is limited at this time, the clinical significance of this alteration remains unclear.

NM_001042492.3(NF1):c.60+4A>G

Genes: MIR4733HG (MIR4733 host gene; minus strand), NF1 (neurofibromin 1; plus strand), LOC111811965 (NF1 (neurofibromin 1) promoter region; plus strand). Cytogenetic location: 17q11.2.
Variant type: single nucleotide variant.
Coding change: c.60+4A>G on transcript NM_001042492.3 (MANE Select); 4 bases into the intron after coding-DNA position 60, A replaced by G.
Molecular consequence: intron variant. On other transcripts: non-coding transcript variant (1).
Genome position (GRCh38, 1-based): chr17:31,095,373, A>G. VCF-style: chr17-31095373-A-G. GRCh37 (hg19) VCF-style: chr17-29422391-A-G.
Other names: c.60+4A>G (NM_000267.4, NM_001128147.3).
Identifiers: ClinVar variation 945776 (VCV000945776.10), dbSNP rs1911560774, ClinGen allele CA499197546.
Genomic context (GRCh38, chr17:31,095,373, plus strand): 5'-GCCGCGCACAGGCCGGTGGAATGGGTCCAGGCCGTGGTCAGCCGCTTCGACGAGCAGGTA[A>G]CCGGCCCGTGGCGGGCGGGAGGTGGGAGCGGAGTGGGGGTGGGGACAGAGTAGGTGAGGG-3'